The following is an entry in ClinVar:

ClinVar aggregate classification (germline): Pathogenic. Review status: criteria provided, single submitter (1 of 4 stars). 2 submissions from 2 submitters: Pathogenic (1). 1 of the submissions does not count toward it. Last evaluated 2024-02-17.

Conditions:
Autosomal recessive Alport syndrome (ATS2). Also called: ALPORT SYNDROME 2, AUTOSOMAL RECESSIVE; Alport syndrome type 2; COL4A4 Alport Syndrome and Thin Basement Membrane Nephropathy; COL4A3-Related Nephropathy. Identifiers: Orphanet 63, Orphanet 88919, MedGen C4746745, MONDO:0008762, OMIM 203780.
Hematuria, benign familial, 1 (BFH1). Also called: THIN MEMBRANE NEPHROPATHY. Identifiers: MedGen CN376803, MONDO:0007709, OMIM 141200.
Alport syndrome. Also called: Hemorrhagic familial nephritis; Hemorrhagic hereditary nephritis; Congenital hereditary hematuria. Identifiers: Orphanet 63, MedGen C1567741, MONDO:0018965.

Submissions (2):

Fulgent Genetics
Classification: Pathogenic for Hematuria, benign familial, 1; Autosomal recessive Alport syndrome. Last evaluated: 2024-02-17. Review status: criteria provided, single submitter. Criteria: ACMG Guidelines, 2015. Collection method: clinical testing. Allele origin: germline.

Sydney Genome Diagnostics, Children's Hospital Westmead
Classification: Pathogenic for Alport syndrome. Last evaluated: 2018-09-06. Review status: no assertion criteria provided. Collection method: clinical testing. Allele origin: unknown. Affected: yes. Observed: 1 variant allele, 1 compound heterozygote. Not counted in ClinVar's aggregate classification.
Comment: This frameshifting variant is predicted to create a premature stop codon 61 amino acids downstream (p.Gln186Serfs*62), and may result in a null allele due to nonsense-mediated mRNA decay. To our knowledge, this variant has not been previously reported. However, other COL4A4 truncating variants downstream have been reported in patients with autosomal recessive Alport syndrome (Storey et al 2013 J Am Soc Nephrol 24:1945-54)

NM_000092.5(COL4A4):c.555dup (p.Gln186fs)

Gene: COL4A4 (collagen type IV alpha 4 chain; minus strand). Cytogenetic location: 2q36.3.
Variant type: Duplication.
Coding change: c.555dup on transcript NM_000092.5 (MANE Select); coding-DNA position 555, one base duplicated (T; older notation c.555dupT).
Protein change: p.Gln186fs; shifts the reading frame from glutamine 186.
Molecular consequence: frameshift variant.
Genome position (GRCh38, 1-based): chr2:227,114,631, A duplicated on the plus strand (T on the coding strand, the reverse complement: COL4A4 is on the minus strand); the first of 2 consecutive A bases (chr2:227,114,631-227,114,632); duplicating either gives the same sequence. VCF-style (leftmost placement, unchanged base first): chr2-227114630-G-GA. GRCh37 (hg19) VCF-style: chr2-227979346-G-GA.
Other names: short protein forms Q186fs.
Identifiers: ClinVar variation 988109 (VCV000988109.2), dbSNP rs2061393958, ClinGen allele CA1332773689.